The following is an entry in ClinVar:

ClinVar aggregate classification (germline): Likely pathogenic (1 of 4 stars; one submission).

Conditions:
Leber congenital amaurosis (LCA). Also called: Leber's amaurosis. Identifiers: Orphanet 65, MedGen C0339527, MeSH D057130, MONDO:0018998.

Submission:

Natera, Inc.
Classification: Likely pathogenic for Leber congenital amaurosis. Last evaluated: 2024-04-15. Review status: criteria provided, single submitter. Criteria: Natera Variant Classification Schema (03/2026). Collection method: clinical testing. Allele origin: germline.
Comment: The c.2688delT variant in CEP290 is a frameshift variant predicted to shift the reading frame and introduce a stop codon. This variant is expected to result in nonsense mediated decay, truncation, or a dysfunctional protein product. This variant is rare in the general population with a frequency below the threshold expected for the associated phenotype(s). Given the available evidence, this variant is classified as Likely Pathogenic.

NM_025114.4(CEP290):c.2688del (p.Leu896_Ile897insTer)

Gene: CEP290 (centrosomal protein 290; minus strand). Cytogenetic location: 12q21.32.
Variant type: Deletion.
Coding change: c.2688del on transcript NM_025114.4 (MANE Select); coding-DNA position 2688, one base deleted (T; older notation c.2688delT).
Protein change: p.Leu896_Ile897insTer.
Molecular consequence: frameshift variant.
Genome position (GRCh38, 1-based): chr12:88,106,804, A deleted on the plus strand (T on the coding strand, the reverse complement: CEP290 is on the minus strand); the first of 2 consecutive A bases (chr12:88,106,804-88,106,805); deleting either gives the same sequence. VCF-style (leftmost placement, unchanged base first): chr12-88106803-TA-T. GRCh37 (hg19) VCF-style: chr12-88500580-TA-T.
Identifiers: ClinVar variation 4816203 (VCV004816203.1).
Genomic context (GRCh38, chr12:88,106,803, plus strand): 5'-GCTTCTCATTTTCTTTTCTAAGTTGTCGCTCCAATTCTACTAAGGTTGTATATTGCCTTA[TA>T]AGTGATTTTTCATTCACTTGCAAAACAGTAATTTTCCTACTATTTTCTGCAAGTATTTTT-3'